The following is an entry in ClinVar:

ClinVar aggregate classification (germline): Pathogenic. Review status: criteria provided, single submitter (1 of 4 stars). 3 submissions from 2 submitters: Pathogenic (1). 2 of the submissions do not count toward it. Last evaluated 2026-01-15.

Conditions:
Becker muscular dystrophy (BMD). Also called: Becker Muscular Dystrophy (BMD); MUSCULAR DYSTROPHY, PSEUDOHYPERTROPHIC PROGRESSIVE, BECKER TYPE. Identifiers: Orphanet 98895, MedGen C0917713, MONDO:0010311, OMIM 300376.
Duchenne muscular dystrophy (DMD). Also called: Duchenne Muscular Dystrophy (DMD); MUSCULAR DYSTROPHY, PSEUDOHYPERTROPHIC PROGRESSIVE, DUCHENNE TYPE. Identifiers: Orphanet 98896, MedGen C0013264, MONDO:0010679, OMIM 310200.

Submissions (3):

3billion
Classification: Pathogenic for Duchenne muscular dystrophy. Last evaluated: 2026-01-15. Review status: criteria provided, single submitter. Criteria: ACMG Guidelines, 2015. Collection method: clinical testing. Allele origin: germline. Affected: yes.
Comment: The variant is not observed in the gnomAD v4.1.0 dataset. Predicted Consequence/Location: Frameshift: predicted to result in a loss or disruption of normal protein function through nonsense-mediated decay (NMD) or protein truncation. Multiple pathogenic variants are reported downstream of the variant. The variant has been reported to be associated with DMD-related disorder (ClinVar ID: VCV000094863 /PMID: 7611292). Therefore, this variant is classified as Pathogenic according to the recommendation of ACMG/AMP guideline.

Clinical Molecular Genetics Laboratory, Johns Hopkins All Children's Hospital
Classification: Pathogenic for Duchenne muscular dystrophy. Last evaluated: 2015-09-14. Review status: no assertion criteria provided. Collection method: clinical testing. Allele origin: germline. Affected: yes. Not counted in ClinVar's aggregate classification.

Clinical Molecular Genetics Laboratory, Johns Hopkins All Children's Hospital
Classification: Pathogenic for Becker muscular dystrophy. Last evaluated: 2015-09-14. Review status: no assertion criteria provided. Collection method: clinical testing. Allele origin: germline. Affected: yes. Not counted in ClinVar's aggregate classification.

Literature cited by the submitters: PubMed 7611292 (cited by 3billion).

NM_004006.3(DMD):c.9854_9863del (p.Met3285fs)

Gene: DMD (dystrophin; minus strand). Cytogenetic location: Xp21.2.
Variant type: Deletion.
Coding change: c.9854_9863del on transcript NM_004006.3 (MANE Select); coding-DNA positions 9854 to 9863, 10 bases deleted (TGAGACTGGA; older notation c.9854_9863delTGAGACTGGA).
Protein change: p.Met3285fs; shifts the reading frame from methionine 3285.
Molecular consequence: frameshift variant.
Genome position (GRCh38, 1-based): chrX:31,182,849-31,182,858, TCCAGTCTCA deleted on the plus strand (TGAGACTGGA on the coding strand, the reverse complement: DMD is on the minus strand); deleting any 10 consecutive bases within chrX:31,182,849-31,182,866 gives the same sequence; the c. name uses the placement nearest the transcript's 3' end. VCF-style (leftmost placement, unchanged base first): chrX-31182848-TTCCAGTCTCA-T. GRCh37 (hg19) VCF-style: chrX-31200965-TTCCAGTCTCA-T.
Other names: c.9854_9863delTGAGACTGGA (NM_004006.2); c.9830_9839del, p.Met3277fs (NM_000109.4); c.9842_9851del, p.Met3281fs (NM_004009.3); c.9485_9494del, p.Met3162fs (NM_004010.3); c.5831_5840del, p.Met1944fs (NM_004011.4); c.5822_5831del, p.Met1941fs (NM_004012.4); c.2474_2483del, p.Met825fs (NM_004013.3, NM_004020.4, NM_004021.3 and 2 more transcripts); c.1667_1676del, p.Met556fs (NM_004014.3); and 1 more; short protein forms M217fs, M3162fs, M3277fs, M556fs, M1941fs, M1944fs, M3281fs, M825fs.
Identifiers: ClinVar variation 94863 (VCV000094863.2), dbSNP rs398124105, ClinGen allele CA267201.